The following is an entry in ClinVar:

NM_004984.4(KIF5A):c.2802C>G (p.Asn934Lys)

Gene: KIF5A (kinesin family member 5A; plus strand). Cytogenetic location: 12q13.3.
Variant type: single nucleotide variant.
Coding change: c.2802C>G on transcript NM_004984.4 (MANE Select); coding-DNA position 2802, C replaced by G.
Protein change: p.Asn934Lys; replaces asparagine 934 with lysine.
Molecular consequence: missense variant.
Genome position (GRCh38, 1-based): chr12:57,581,461, C>G. VCF-style: chr12-57581461-C-G. GRCh37 (hg19) VCF-style: chr12-57975244-C-G.
Other names: c.2535C>G, p.Asn845Lys (NM_001354705.2); short protein forms N845K, N934K.
Identifiers: ClinVar variation 3627535 (VCV003627535.2).

ClinVar aggregate classification (germline): Uncertain significance (1 of 4 stars; one submission).

Conditions:
Spastic paraplegia. Identifiers: MedGen C0037772, HP:0001258.

gnomAD v4.1: 18 of 1,614,068 alleles (0.0011%); highest among the groups gnomAD compares: Non-Finnish European, 0.0015%; no homozygotes.

Submission:

Labcorp Genetics (formerly Invitae), Labcorp
Classification: Uncertain significance for Spastic paraplegia. Last evaluated: 2024-06-01. Review status: criteria provided, single submitter. Criteria: Invitae Variant Classification Sherloc (09022015). Collection method: clinical testing. Allele origin: germline.
Comment: This sequence change replaces asparagine, which is neutral and polar, with lysine, which is basic and polar, at codon 934 of the KIF5A protein (p.Asn934Lys). This variant is present in population databases (no rsID available, gnomAD 0.0009%). This variant has not been reported in the literature in individuals affected with KIF5A-related conditions. Advanced modeling of protein sequence and biophysical properties (such as structural, functional, and spatial information, amino acid conservation, physicochemical variation, residue mobility, and thermodynamic stability) has been performed at Invitae for this missense variant, however the output from this modeling did not meet the statistical confidence thresholds required to predict the impact of this variant on KIF5A protein function. In summary, the available evidence is currently insufficient to determine the role of this variant in disease. Therefore, it has been classified as a Variant of Uncertain Significance.